The following is an entry in ClinVar:

ClinVar aggregate classification (germline): Benign/Likely benign. Review status: criteria provided, multiple submitters, no conflicts (2 of 4 stars). 4 submissions from 4 submitters: Benign (1); Likely benign (3). Last evaluated 2026-08-24.

Conditions:
Hereditary cancer-predisposing syndrome. Also called: Neoplastic Syndromes, Hereditary; Tumor predisposition; Hereditary Cancer Syndrome; Hereditary neoplastic syndrome. Identifiers: Orphanet 140162, MedGen C0027672, MeSH D009386, MONDO:0015356.
TSC2-related disorder. Also called: TSC2-Related Disorders; TSC2-related condition.
Tuberous sclerosis 2 (TSC2). Identifiers: Orphanet 805, MedGen C1860707, MONDO:0013199, OMIM 613254.

Allele frequency attached by ClinVar (database versions not stated): TOPMed 0.00001.

Submissions (4):

PreventionGenetics, part of Exact Sciences
Classification: Likely benign for TSC2-related condition. Last evaluated: 2026-08-24. Review status: criteria provided, single submitter. Criteria: ACMG Guidelines, 2015. Collection method: clinical testing. Allele origin: germline.
Comment: This variant is classified as likely benign based on ACMG/AMP sequence variant interpretation guidelines (Richards et al. 2015 PMID: 25741868, with internal and published modifications).

Labcorp Genetics (formerly Invitae), Labcorp
Classification: Likely benign for Tuberous sclerosis 2. Last evaluated: 2026-01-13. Review status: criteria provided, single submitter. Criteria: Invitae Variant Classification Sherloc (09022015). Collection method: clinical testing. Allele origin: germline.

Myriad Genetics, Inc.
Classification: Benign for Tuberous sclerosis 2. Last evaluated: 2025-05-29. Review status: criteria provided, single submitter. Criteria: Myriad Autosomal Dominant, Autosomal Recessive and X-Linked Classification Criteria (2023). Collection method: clinical testing. Allele origin: unknown.
Comment: This variant is considered benign. This variant is a silent/synonymous amino acid change and it is not expected to impact splicing.

Ambry Genetics
Classification: Likely benign for Hereditary cancer-predisposing syndrome. Last evaluated: 2020-05-04. Review status: criteria provided, single submitter. Criteria: Ambry Variant Classification Scheme 2023. Collection method: clinical testing. Allele origin: germline.

NM_000548.5(TSC2):c.3486A>T (p.Pro1162=)

Gene: TSC2 (TSC complex subunit 2; plus strand). Cytogenetic location: 16p13.3.
Variant type: single nucleotide variant.
Coding change: c.3486A>T on transcript NM_000548.5 (MANE Select); coding-DNA position 3486, A replaced by T.
Protein change: p.Pro1162=; no amino-acid change (proline 1162 retained).
Molecular consequence: synonymous variant.
Genome position (GRCh38, 1-based): chr16:2,080,253, A>T. VCF-style: chr16-2080253-A-T. GRCh37 (hg19) VCF-style: chr16-2130254-A-T.
Other names: c.3354A>T, p.Pro1118= (NM_001077183.3, NM_001370404.1); c.3486A>T, p.Pro1162= (NM_001114382.3); c.3246A>T, p.Pro1082= (NM_001318827.2); c.3210A>T, p.Pro1070= (NM_001318829.2); c.2754A>T, p.Pro918= (NM_001318831.2); c.3387A>T, p.Pro1129= (NM_001318832.2); c.3357A>T, p.Pro1119= (NM_001363528.2, NM_001370405.1, NM_021055.3); c.3486A>T (NM_000548.4).
Identifiers: ClinVar variation 701348 (VCV000701348.15), dbSNP rs1277144134, ClinGen allele CA493042947.